The following is an entry in ClinVar:

ClinVar aggregate classification (germline): Uncertain significance (1 of 4 stars; one submission).

Conditions:
Hereditary cancer-predisposing syndrome. Also called: Hereditary neoplastic syndrome; Tumor predisposition; Hereditary Cancer Syndrome; Neoplastic Syndromes, Hereditary. Identifiers: Orphanet 140162, MedGen C0027672, MeSH D009386, MONDO:0015356.

Submission:

Ambry Genetics
Classification: Uncertain significance for Hereditary cancer-predisposing syndrome. Last evaluated: 2023-09-05. Review status: criteria provided, single submitter. Criteria: Ambry Variant Classification Scheme 2023. Collection method: clinical testing. Allele origin: germline.
Comment: The p.A647P variant (also known as c.1939G>C), located in coding exon 14 of the APC gene, results from a G to C substitution at nucleotide position 1939. The alanine at codon 647 is replaced by proline, an amino acid with highly similar properties. This amino acid position is conserved. In addition, in silico predictors for this gene do not accurately predict pathogenicity. Since supporting evidence is limited at this time, the clinical significance of this alteration remains unclear.

NM_000038.6(APC):c.1939G>C (p.Ala647Pro)

Gene: APC (APC regulator of Wnt signaling pathway; plus strand). Cytogenetic location: 5q22.2.
Variant type: single nucleotide variant.
Coding change: c.1939G>C on transcript NM_000038.6 (MANE Select); coding-DNA position 1939, G replaced by C.
Protein change: p.Ala647Pro; replaces alanine 647 with proline.
Molecular consequence: missense variant. On other transcripts: non-coding transcript variant (2).
Genome position (GRCh38, 1-based): chr5:112,835,146, G>C. VCF-style: chr5-112835146-G-C. GRCh37 (hg19) VCF-style: chr5-112170843-G-C.
Other names: c.1939G>C, p.Ala647Pro (NM_001127510.3, NM_001354895.2, NM_001407450.1); c.1885G>C, p.Ala629Pro (NM_001127511.3); c.1993G>C, p.Ala665Pro (NM_001354896.2, NM_001407447.1, NM_001407448.1 and 1 more transcripts); c.1969G>C, p.Ala657Pro (NM_001354897.2); c.1864G>C, p.Ala622Pro (NM_001354898.2); c.1855G>C, p.Ala619Pro (NM_001354899.2); c.1816G>C, p.Ala606Pro (NM_001354900.2); c.1762G>C, p.Ala588Pro (NM_001354901.2, NM_001407453.1); and 11 more; short protein forms A364P, A546P, A588P, A640P, A657P, A518P, A521P, A564P.
Identifiers: ClinVar variation 2587038 (VCV002587038.2), dbSNP rs2149844242, ClinGen allele CA16025553.